The following is an entry in ClinVar:

NM_024642.5(GALNT12):c.281A>T (p.Gln94Leu)

Gene: GALNT12 (polypeptide N-acetylgalactosaminyltransferase 12; plus strand). Cytogenetic location: 9q22.33.
Variant type: single nucleotide variant.
Coding change: c.281A>T on transcript NM_024642.5 (MANE Select); coding-DNA position 281, A replaced by T.
Protein change: p.Gln94Leu; replaces glutamine 94 with leucine.
Molecular consequence: missense variant.
Genome position (GRCh38, 1-based): chr9:98,807,979, A>T. VCF-style: chr9-98807979-A-T. GRCh37 (hg19) VCF-style: chr9-101570261-A-T.
Other names: short protein forms Q94L.
Identifiers: ClinVar variation 1796417 (VCV001796417.2), dbSNP rs868573205, ClinGen allele CA374222751.

ClinVar aggregate classification (germline): Uncertain significance (1 of 4 stars; one submission).

Submission:

Ambry Genetics
Classification: Uncertain significance. Last evaluated: 2023-12-01. Review status: criteria provided, single submitter. Criteria: Ambry Variant Classification Scheme 2023. Collection method: clinical testing. Allele origin: germline.
Comment: The p.Q94L variant (also known as c.281A>T), located in coding exon 1 of the GALNT12 gene, results from an A to T substitution at nucleotide position 281. The glutamine at codon 94 is replaced by leucine, an amino acid with dissimilar properties. This amino acid position is conserved. In addition, this alteration is predicted to be tolerated by in silico analysis. Since supporting evidence is limited at this time, the clinical significance of this alteration remains unclear.